The following is an entry in ClinVar:

NM_002878.4(RAD51D):c.871C>T (p.Arg291Cys)

Genes: RAD51L3-RFFL (RAD51L3-RFFL readthrough; minus strand), RAD51D (RAD51 paralog D; minus strand). Cytogenetic location: 17q12.
Variant type: single nucleotide variant.
Coding change: c.871C>T on transcript NM_002878.4 (MANE Select); coding-DNA position 871, C replaced by T.
Protein change: p.Arg291Cys; replaces arginine 291 with cysteine.
Molecular consequence: missense variant. On other transcripts: non-coding transcript variant (3).
Genome position (GRCh38, 1-based): chr17:35,101,233, G>A on the plus strand (C>T on the coding strand, the complement: RAD51D is on the minus strand). VCF-style: chr17-35101233-G-A. GRCh37 (hg19) VCF-style: chr17-33428252-G-A.
Other names: c.931C>T, p.Arg311Cys (NM_001142571.2); c.535C>T, p.Arg179Cys (NM_133629.3); c.931C>T (NM_001142571.1); short protein forms R291C, R179C, R311C.
Identifiers: ClinVar variation 231161 (VCV000231161.30), dbSNP rs372038369, ClinGen allele CA8499331.

ClinVar aggregate classification (germline): Uncertain significance. Review status: criteria provided, multiple submitters, no conflicts (2 of 4 stars). 10 submissions from 10 submitters: Uncertain significance (10). Last evaluated 2025-12-01.

Conditions:
Hereditary cancer-predisposing syndrome. Also called: Neoplastic Syndromes, Hereditary; Tumor predisposition; Hereditary Cancer Syndrome; Hereditary neoplastic syndrome. Identifiers: Orphanet 140162, MedGen C0027672, MeSH D009386, MONDO:0015356.
Hereditary breast ovarian cancer syndrome. Also called: BRCA1- and BRCA2-Associated Hereditary Breast and Ovarian Cancer; Hereditary breast and ovarian cancer syndrome; Hereditary breast and ovarian cancer; Hereditary breast and ovarian cancer syndrome (HBOC); Breast and ovarian cancer; Hereditary breast and/or ovarian cancer syndrome. Identifiers: Orphanet 145, MedGen C0677776, MeSH D061325, MONDO:0003582. Disease mechanism: loss of function.
Breast-ovarian cancer, familial, susceptibility to, 4. Identifiers: Orphanet 145, MedGen C3280345, MONDO:0013669, OMIM 614291.

Allele frequency attached by ClinVar (database versions not stated): gnomAD 0.00001; gnomAD exomes 0.00001; ExAC 0.00002; TOPMed 0.00002; ESP Exome Variant Server 0.00008.

Submissions (10):

Labcorp Genetics (formerly Invitae), Labcorp
Classification: Uncertain significance for Breast-ovarian cancer, familial, susceptibility to, 4. Last evaluated: 2025-12-01. Review status: criteria provided, single submitter. Criteria: Invitae Variant Classification Sherloc (09022015). Collection method: clinical testing. Allele origin: germline.
Comment: This sequence change replaces arginine, which is basic and polar, with cysteine, which is neutral and slightly polar, at codon 291 of the RAD51D protein (p.Arg291Cys). This variant is present in population databases (rs372038369, gnomAD 0.007%). This variant has not been reported in the literature in individuals affected with RAD51D-related conditions. ClinVar contains an entry for this variant (Variation ID: 231161). Invitae Evidence Modeling of protein sequence and biophysical properties (such as structural, functional, and spatial information, amino acid conservation, physicochemical variation, residue mobility, and thermodynamic stability) indicates that this missense variant is not expected to disrupt RAD51D protein function with a negative predictive value of 80%. RNA analysis performed to evaluate the impact of this missense change on mRNA splicing indicates it does not significantly alter splicing (internal data). In summary, the available evidence is currently insufficient to determine the role of this variant in disease. Therefore, it has been classified as a Variant of Uncertain Significance.

Ambry Genetics
Classification: Uncertain significance for Hereditary cancer-predisposing syndrome. Last evaluated: 2025-04-07. Review status: criteria provided, single submitter. Criteria: Ambry Variant Classification Scheme 2023. Collection method: clinical testing. Allele origin: germline.
Comment: The p.R291C variant (also known as c.871C>T), located in coding exon 9 of the RAD51D gene, results from a C to T substitution at nucleotide position 871. The arginine at codon 291 is replaced by cysteine, an amino acid with highly dissimilar properties. This amino acid position is well conserved in available vertebrate species. In addition, this alteration is predicted to be tolerated by in silico analysis. Since supporting evidence is limited at this time, the clinical significance of this alteration remains unclear.

Quest Diagnostics Nichols Institute San Juan Capistrano
Classification: Uncertain significance. Last evaluated: 2025-02-21. Review status: criteria provided, single submitter. Criteria: Quest Diagnostics criteria. Collection method: clinical testing. Allele origin: unknown.
Comment: The RAD51D c.871C>T (p.Arg291Cys) variant has been reported in the published literature in in a large scale breast cancer association study in breast cancer cases as well as in reportedly healthy individuals (PMID: 33471991 (2021), see also LOVD). The frequency of this variant in the general population (Genome Aggregation Database) is uninformative in the assessment of its pathogenicity. Analysis of this variant using bioinformatics tools for the prediction of the effect of amino acid changes on protein structure and function yielded predictions that this variant is benign. Based on the available information, we are unable to determine the clinical significance of this variant.

Baylor Genetics
Classification: Uncertain significance for Breast-ovarian cancer, familial, susceptibility to, 4. Last evaluated: 2024-01-23. Review status: criteria provided, single submitter. Criteria: ACMG Guidelines, 2015. Collection method: clinical testing. Allele origin: unknown.

Color Diagnostics, LLC DBA Color Health
Classification: Uncertain significance for Hereditary cancer-predisposing syndrome. Last evaluated: 2022-03-10. Review status: criteria provided, single submitter. Criteria: ACMG Guidelines, 2015. Collection method: clinical testing. Allele origin: germline.
Comment: This missense variant replaces arginine with cysteine at codon 291 of the RAD51D protein. Computational prediction suggests that this variant may not impact protein structure and function (internally defined REVEL score threshold <= 0.5, PMID: 27666373). To our knowledge, functional studies have not been reported for this variant. This variant has been detected in a breast cancer case-control meta-analysis in 3/60463 cases and 2/53461 unaffected individuals (PMID: 33471991; Leiden Open Variation Database DB-ID RAD51D_000074). This variant has been identified in 3/251390 chromosomes in the general population by the Genome Aggregation Database (gnomAD). The available evidence is insufficient to determine the role of this variant in disease conclusively. Therefore, this variant is classified as a Variant of Uncertain Significance.

Department of Pathology and Laboratory Medicine, Sinai Health System
Classification: Uncertain significance for Hereditary breast ovarian cancer syndrome. Last evaluated: 2022-02-18. Review status: criteria provided, single submitter. Criteria: ACMG Guidelines, 2015. Collection method: clinical testing. Allele origin: germline. Affected: yes.

MGZ Medical Genetics Center
Classification: Uncertain significance for Breast-ovarian cancer, familial, susceptibility to, 4. Last evaluated: 2021-12-30. Review status: criteria provided, single submitter. Criteria: ACMG Guidelines, 2015. Collection method: clinical testing. Allele origin: germline. Affected: yes. Observed: 1 variant allele.
Comment: ACMG criteria applied: PM2_SUP, BP4

Institute for Clinical Genetics, University Hospital TU Dresden, University Hospital TU Dresden
Classification: Uncertain significance. Last evaluated: 2021-11-03. Review status: criteria provided, single submitter. Criteria: ACMG Guidelines, 2015. Collection method: clinical testing. Allele origin: germline.

GeneDx
Classification: Uncertain significance. Last evaluated: 2021-06-23. Review status: criteria provided, single submitter. Criteria: GeneDx Variant Classification Process June 2021. Collection method: clinical testing. Allele origin: germline. Affected: yes.
Comment: Has not been previously published as pathogenic or benign to our knowledge; Not observed at significant frequency in large population cohorts (Lek 2016); In silico analysis supports that this missense variant has a deleterious effect on protein structure/function; This variant is associated with the following publications: (PMID: 21111057, 14704354, 19327148, 27535533)

Women's Health and Genetics/Laboratory Corporation of America, LabCorp
Classification: Uncertain significance. Last evaluated: 2020-02-24. Review status: criteria provided, single submitter. Criteria: LabCorp Variant Classification Summary - May 2015. Collection method: clinical testing. Allele origin: germline.
Comment: Variant summary: RAD51D c.871C>T (p.Arg291Cys) results in a non-conservative amino acid change in the encoded protein sequence. Three of five in-silico tools predict a benign effect of the variant on protein function. The variant allele was found at a frequency of 1.2e-05 in 251390 control chromosomes (gnomAD). The available data on variant occurrences in the general population are insufficient to allow any conclusion about variant significance. To our knowledge, no occurrence of c.871C>T in individuals affected with Hereditary Breast and Ovarian Cancer and no experimental evidence demonstrating its impact on protein function have been reported. Three ClinVar submitters (evaluation after 2014) cite the variant as uncertain significance. Based on the evidence outlined above, the variant was classified as uncertain significance.

Literature cited by the submitters: PubMed 33471991 (cited by Quest Diagnostics Nichols Institute San Juan Capistrano and Color Diagnostics, LLC DBA Color Health); PubMed 38153744 (cited by Quest Diagnostics Nichols Institute San Juan Capistrano).